The following is an entry in ClinVar:

ClinVar aggregate classification (germline): Likely pathogenic (1 of 4 stars; one submission).

Conditions:
Lucey-Driscoll syndrome (HBLRTFN). Also called: Transient familial neonatal hyperbilirubinemia. Identifiers: Orphanet 2312, MedGen C0270210, MONDO:0009383, OMIM 237900.

gnomAD v4.1: 23 of 1,614,162 alleles (0.0014%); highest among the groups gnomAD compares: South Asian, 0.022%; no homozygotes.

Submission:

Neuberg Centre For Genomic Medicine, NCGM
Classification: Likely pathogenic for Lucey-Driscoll syndrome. Last evaluated: 2023-06-22. Review status: criteria provided, single submitter. Criteria: ACMG Guidelines, 2015. Collection method: clinical testing. Allele origin: germline. Inheritance: Autosomal dominant inheritance. Affected: yes.
Comment: The observed missense variant c.404A>Cp.Asn135Thr in G6PD gene has been reported in individuals with Glucose-6-phosphate dehydrogenase deficiency Sirdah M, et al., 2012, Sirdah M, et al., 2021. The p.Asn135Thr variant is absent in gnomAD Exomes. It has been submitted to ClinVar as Pathogenic multiple submissions. However, experimental studies on the pathogenicity of the variant are not available. Multiple lines of computational evidence Polyphen-probably damaging, SIFT-damaging and Mutation Taster-disease causing predict a damaging effect on protein structure and function for this variant. The amino acid Asn at position 135 is changed to a Thr changing protein sequence and it might alter its composition and physico-chemical properties. The reference amino acid p.Asn135Thr in G6PD is predicted as conserved by GERP++ and PhyloP across 100 vertebrates. For these reasons, this variant has been classified as Likely Pathogenic.

NM_000463.3(UGT1A1):c.1184G>C (p.Gly395Ala)

Genes: UGT1A8 (UDP glucuronosyltransferase family 1 member A8; plus strand), UGT1A9 (UDP glucuronosyltransferase family 1 member A9; plus strand), UGT1A4 (UDP glucuronosyltransferase family 1 member A4; plus strand), UGT1A10 (UDP glucuronosyltransferase family 1 member A10; plus strand), UGT1A (UDP glucuronosyltransferase family 1 member A complex locus; plus strand) and 5 more. Cytogenetic location: 2q37.1.
Variant type: single nucleotide variant.
Coding change: c.1184G>C on transcript NM_000463.3 (MANE Select); coding-DNA position 1184, G replaced by C.
Protein change: p.Gly395Ala; replaces glycine 395 with alanine.
Molecular consequence: missense variant.
Genome position (GRCh38, 1-based): chr2:233,768,319, G>C. VCF-style: chr2-233768319-G-C. GRCh37 (hg19) VCF-style: chr2-234676965-G-C.
Other names: c.1175G>C, p.Gly392Ala (NM_019075.4, NM_019076.5, NM_019077.3 and 1 more transcripts); c.1181G>C, p.Gly394Ala (NM_001072.4); c.380G>C, p.Gly127Ala (NM_205862.3); c.1187G>C, p.Gly396Ala (NM_019078.2, NM_007120.3, NM_019093.4); short protein forms G127A, G392A, G394A, G395A, G396A.
Identifiers: ClinVar variation 3391386 (VCV003391386.1).